The following is an entry in ClinVar:

ClinVar aggregate classification (germline): Likely benign (1 of 4 stars; one submission).

Submission:

CeGaT Center for Human Genetics Tuebingen
Classification: Likely benign. Last evaluated: 2023-03-01. Review status: criteria provided, single submitter. Criteria: CeGaT Center For Human Genetics Tuebingen Variant Classification Criteria Version 2. Collection method: clinical testing. Allele origin: germline. Affected: yes. Observed: 2 variant alleles.
Comment: DDX3X: BP4, BS2

NM_001356.5(DDX3X):c.152-663_152-662del

Gene: DDX3X (DEAD-box helicase 3 X-linked; plus strand). Cytogenetic location: Xp11.4.
Variant type: Deletion.
Coding change: c.152-663_152-662del on transcript NM_001356.5 (MANE Select); 663 bases into the intron before coding-DNA position 152 through 662 bases into the intron before coding-DNA position 152, 2 bases deleted (GT; older notation c.152-663_152-662delGT).
Molecular consequence: intron variant.
Genome position (GRCh38, 1-based): chrX:41,340,821-41,340,822, GT deleted; deleting any 2 consecutive bases within chrX:41,340,820-41,340,822 gives the same sequence; the c. name uses the placement nearest the transcript's 3' end. VCF-style (leftmost placement, unchanged base first): chrX-41340819-CTG-C. GRCh37 (hg19) VCF-style: chrX-41200072-CTG-C.
Other names: c.152-663_152-662del (NM_001193416.3); c.104-663_104-662del (NM_001193417.3); c.-407-663_-407-662del (NM_001363819.1).
Identifiers: ClinVar variation 2660341 (VCV002660341.24), dbSNP rs762740283, ClinGen allele CA329018277.